The following is an entry in ClinVar:

NM_001042545.2(LTBP4):c.1828C>T (p.Gln610Ter)

Gene: LTBP4 (latent transforming growth factor beta binding protein 4; plus strand). Cytogenetic location: 19q13.2.
Variant type: single nucleotide variant.
Coding change: c.1828C>T on transcript NM_001042545.2 (MANE Select); coding-DNA position 1828, C replaced by T.
Protein change: p.Gln610Ter; replaces glutamine 610 with a stop codon.
Molecular consequence: nonsense.
Genome position (GRCh38, 1-based): chr19:40,611,169, C>T. VCF-style: chr19-40611169-C-T. GRCh37 (hg19) VCF-style: chr19-41117075-C-T.
Other names: c.2029C>T, p.Gln677Ter (NM_001042544.1); c.1918C>T, p.Gln640Ter (NM_003573.2); short protein forms Q610*, Q640*, Q677*.
Identifiers: ClinVar variation 632581 (VCV000632581.3), dbSNP rs1568406407, ClinGen allele CA405937588.
Genomic context (GRCh38, chr19:40,611,169, plus strand): 5'-GGCAGAGGGGAACAAGTGACCCCGGGCCCCCTGCCCTGTGCAGATGTGGATGAATGCACC[C>T]AGAGCCCAGGCCTGTGTGGCCGAGGGGCCTGCAAGAACCTGCCTGGCTCTTTCCGCTGTG-3'

ClinVar aggregate classification (germline): Pathogenic (1 of 4 stars; one submission).

Conditions:
Cutis laxa with severe pulmonary, gastrointestinal and urinary anomalies. Also called: URBAN-RIFKIN-DAVIS SYNDROME; Cutis laxa, autosomal recessive, type IC; LTBP4-Related Cutis Laxa. Identifiers: Orphanet 221145, MedGen C2750804, MONDO:0013170, OMIM 613177. Disease mechanism: loss of function.

Submission:

Foundation for Research in Genetics and Endocrinology, FRIGE's Institute of Human Genetics
Classification: Pathogenic for Cutis laxa with severe pulmonary, gastrointestinal and urinary anomalies. Last evaluated: 2019-04-12. Review status: criteria provided, single submitter. Criteria: ACMG Guidelines, 2015. Collection method: clinical testing. Allele origin: germline. Inheritance: Autosomal recessive inheritance. Affected: yes. Observed: 1 homozygote.
Comment: The observed homozygous variant NM_001042544.1:c.2029C>T (p.R677*) is found in exon 13 of the LTBP4 gene. It is a null variant in a gene where loss of function is a known mechanism of disease and has not been found absent in general population (0.00% AFC South Asian frequency and ECGldb). Multiple lines of computational evidence support a deleterious effect of this variant on the gene or gene product. In summary, the R677* variant meets our criteria to be classified as pathogenic.